The following is an entry in ClinVar:

ClinVar aggregate classification (germline): Benign (1 of 4 stars; one submission).

Allele frequency attached by ClinVar (database versions not stated): 1000 Genomes Project 0.03734; gnomAD 0.03752 and 0.03983; 1000 Genomes Project 30x 0.03873; TOPMed 0.04024.
gnomAD v4.1: 5,659 of 152,078 alleles (3.7%); highest among the groups gnomAD compares: African/African-American, 11%; 236 homozygotes.

Submission:

GeneDx
Classification: Benign. Last evaluated: 2018-06-19. Review status: criteria provided, single submitter. Criteria: GeneDx Variant Classification (06012015). Collection method: clinical testing. Allele origin: germline. Affected: yes.
Comment: This variant is considered likely benign or benign based on one or more of the following criteria: it is a conservative change, it occurs at a poorly conserved position in the protein, it is predicted to be benign by multiple in silico algorithms, and/or has population frequency not consistent with disease.

NM_001035.3(RYR2):c.1171-266C>T

Gene: RYR2 (ryanodine receptor 2; plus strand). Cytogenetic location: 1q43.
Variant type: single nucleotide variant.
Coding change: c.1171-266C>T on transcript NM_001035.3 (MANE Select); 266 bases into the intron before coding-DNA position 1171, C replaced by T.
Molecular consequence: intron variant.
Genome position (GRCh38, 1-based): chr1:237,445,135, C>T. VCF-style: chr1-237445135-C-T. GRCh37 (hg19) VCF-style: chr1-237608435-C-T.
Identifiers: ClinVar variation 669560 (VCV000669560.1), dbSNP rs74147271, ClinGen allele CA39779591.